The following is an entry in ClinVar:

ClinVar aggregate classification (germline): Likely benign. Review status: criteria provided, multiple submitters, no conflicts (2 of 4 stars). 2 submissions from 2 submitters: Likely benign (2). Last evaluated 2022-06-22.

Allele frequency attached by ClinVar (database versions not stated): gnomAD exomes 0.00001 and 0.00003; ExAC 0.00002; ESP Exome Variant Server 0.00008; TOPMed 0.00013; 1000 Genomes Project 30x 0.00016; gnomAD 0.00016 and 0.00018; 1000 Genomes Project 0.00020.

Submissions (2):

Labcorp Genetics (formerly Invitae), Labcorp
Classification: Likely benign. Last evaluated: 2022-06-22. Review status: criteria provided, single submitter. Criteria: Invitae Variant Classification Sherloc (09022015). Collection method: clinical testing. Allele origin: germline.

GeneDx
Classification: Likely benign. Last evaluated: 2018-03-12. Review status: criteria provided, single submitter. Criteria: GeneDx Variant Classification (06012015). Collection method: clinical testing. Allele origin: germline. Affected: yes.
Comment: This variant is considered likely benign or benign based on one or more of the following criteria: it is a conservative change, it occurs at a poorly conserved position in the protein, it is predicted to be benign by multiple in silico algorithms, and/or has population frequency not consistent with disease.

NM_018444.4(PDP1):c.261C>T (p.Ser87=)

Gene: PDP1 (pyruvate dehydrogenase phosphatase catalytic subunit 1; plus strand). Cytogenetic location: 8q22.1.
Variant type: single nucleotide variant.
Coding change: c.261C>T on transcript NM_018444.4 (MANE Select); coding-DNA position 261, C replaced by T.
Protein change: p.Ser87=; no amino-acid change (serine 87 retained).
Molecular consequence: synonymous variant.
Genome position (GRCh38, 1-based): chr8:93,922,320, C>T. VCF-style: chr8-93922320-C-T. GRCh37 (hg19) VCF-style: chr8-94934548-C-T.
Other names: c.336C>T, p.Ser112= (NM_001161779.2, NM_001161780.2); c.261C>T, p.Ser87= (NM_001161781.2).
Identifiers: ClinVar variation 515992 (VCV000515992.6), dbSNP rs144544236, ClinGen allele CA4808673.